The following is an entry in ClinVar:

NM_000257.4(MYH7):c.5234T>C (p.Val1745Ala)

Genes: MYH7 (myosin heavy chain 7; minus strand), LOC126861897 (BRD4-independent group 4 enhancer GRCh37_chr14:23884455-23885654; plus strand). Cytogenetic location: 14q11.2.
Variant type: single nucleotide variant.
Coding change: c.5234T>C on transcript NM_000257.4 (MANE Select); coding-DNA position 5234, T replaced by C.
Protein change: p.Val1745Ala; replaces valine 1745 with alanine.
Molecular consequence: missense variant.
Genome position (GRCh38, 1-based): chr14:23,415,430, A>G on the plus strand (T>C on the coding strand, the complement: MYH7 is on the minus strand). VCF-style: chr14-23415430-A-G. GRCh37 (hg19) VCF-style: chr14-23884639-A-G.
Other names: short protein forms V1745A.
Identifiers: ClinVar variation 965558 (VCV000965558.10), dbSNP rs767027931, ClinGen allele CA045772.

ClinVar aggregate classification (germline): Uncertain significance. Review status: criteria provided, multiple submitters, no conflicts (2 of 4 stars). 2 submissions from 2 submitters: Uncertain significance (2). Last evaluated 2025-09-13.

Conditions:
Cardiomyopathy (CMYO). Also called: Cardiomyopathies. Identifiers: Orphanet 167848, MedGen C0878544, MONDO:0004994, HP:0001638. Inheritance: Various modes of inheritance.
Hypertrophic cardiomyopathy. Also called: HYPERTROPHIC MYOCARDIOPATHY. Identifiers: Orphanet 217569, MedGen C0007194, MeSH D002312, MONDO:0005045, HP:0001639.

Allele frequency attached by ClinVar (database versions not stated): gnomAD exomes below 0.00001; ExAC 0.00001.
gnomAD v4.1: 3 of 1,614,188 alleles (0.00019%); highest among the groups gnomAD compares: South Asian, 0.0033%; no homozygotes.

Submissions (2):

Color Diagnostics, LLC DBA Color Health
Classification: Uncertain significance for Cardiomyopathy. Last evaluated: 2025-09-13. Review status: criteria provided, single submitter. Criteria: ACMG Guidelines, 2015. Collection method: clinical testing. Allele origin: germline.
Comment: This missense variant replaces valine with alanine at codon 1745 of the MYH7 protein. Computational prediction suggests that this variant may not impact protein structure and function. To our knowledge, functional studies have not been reported for this variant. This variant has not been reported in individuals affected with MYH7-related disorders in the literature. This variant has been identified in 1/251480 chromosomes in the general population by the Genome Aggregation Database (gnomAD). The available evidence is insufficient to determine the role of this variant in disease conclusively. Therefore, this variant is classified as a Variant of Uncertain Significance.

Labcorp Genetics (formerly Invitae), Labcorp
Classification: Uncertain significance for Hypertrophic cardiomyopathy. Last evaluated: 2019-11-04. Review status: criteria provided, single submitter. Criteria: Invitae Variant Classification Sherloc (09022015). Collection method: clinical testing. Allele origin: germline.
Comment: Algorithms developed to predict the effect of missense changes on protein structure and function are either unavailable or do not agree on the potential impact of this missense change (SIFT: "Deleterious"; PolyPhen-2: "Benign"; Align-GVGD: "Class C0"). This sequence change replaces valine with alanine at codon 1745 of the MYH7 protein (p.Val1745Ala). The valine residue is moderately conserved and there is a small physicochemical difference between valine and alanine. This variant is present in population databases (rs767027931, ExAC 0.006%). This variant has not been reported in the literature in individuals with MYH7-related conditions. In summary, the available evidence is currently insufficient to determine the role of this variant in disease. Therefore, it has been classified as a Variant of Uncertain Significance.